The following is an entry in ClinVar:

ClinVar aggregate classification (germline): Likely pathogenic (1 of 4 stars; one submission).

Conditions:
Pulmonary fibrosis and/or bone marrow failure, Telomere-related, 3. Also called: PULMONARY FIBROSIS AND/OR BONE MARROW FAILURE SYNDROME, TELOMERE-RELATED, 3. Identifiers: Orphanet 2032, MedGen C4225346, MONDO:0014613, OMIM 616373.
Dyskeratosis congenita, autosomal recessive 5 (DKCB5). Identifiers: MedGen C3554656, MONDO:0014076, OMIM 615190.

Submission:

Labcorp Genetics (formerly Invitae), Labcorp
Classification: Likely pathogenic for Dyskeratosis congenita, autosomal recessive 5; Pulmonary fibrosis and/or bone marrow failure, Telomere-related, 3. Last evaluated: 2021-10-12. Review status: criteria provided, single submitter. Criteria: Invitae Variant Classification Sherloc (09022015). Collection method: clinical testing. Allele origin: germline.
Comment: In summary, the currently available evidence indicates that the variant is pathogenic, but additional data are needed to prove that conclusively. Therefore, this variant has been classified as Likely Pathogenic. This variant results in the deletion of part of exon 15 (c.1228_1266+39del) of the RTEL1 gene. It is expected to disrupt RNA splicing. Variants that disrupt the donor or acceptor splice site typically lead to a loss of protein function (PMID: 16199547), and loss-of-function variants in RTEL1 are known to be pathogenic (PMID: 23453664, 23959892, 25607374). This variant is not present in population databases (gnomAD no frequency). Disruption of this splice site has been observed in individual(s) with interstitial lung disease (PMID: 30523160).

Literature cited by the submitters: PubMed 16199547; PubMed 23453664; PubMed 23959892; PubMed 25607374; PubMed 30523160.

NM_001283009.2(RTEL1):c.1228_1266+39del

Genes: RTEL1 (regulator of telomere elongation helicase 1; plus strand), RTEL1-TNFRSF6B (RTEL1-TNFRSF6B readthrough (NMD candidate); plus strand). Cytogenetic location: 20q13.33.
Variant type: Deletion.
Coding change: c.1228_1266+39del on transcript NM_001283009.2 (MANE Select); coding-DNA position 1228 through 39 bases into the intron after coding-DNA position 1266, 78 bases deleted.
Molecular consequence: splice donor variant.
Genome position (GRCh38, 1-based): chr20:63,685,559-63,685,636, 78 bases deleted. GRCh37 (hg19): chr20:62,316,912-62,316,989.
Other names: c.559_597+39del (NM_001283010.1); c.1300_1338+39del (NM_032957.5); c.1228_1266+39del (NM_016434.4).
Identifiers: ClinVar variation 1466754 (VCV001466754.10), dbSNP rs2090573767, ClinGen allele CA9964677.